The following is an entry in ClinVar:

ClinVar aggregate classification (germline): Uncertain significance (1 of 4 stars; one submission).

Conditions:
Malignant hyperthermia, susceptibility to, 1 (MHS1). Also called: Anesthesia related hyperthermia; Malignant hyperpyrexia; Fulminating hyperpyrexia; Pharmacogenic myopathy; RYR1-Related Malignant Hyperthermia Susceptibility; Malignant hyperthermia suceptibility 1. Identifiers: Orphanet 423, MedGen C2930980, MONDO:0007783, OMIM 145600.

Submission:

All of Us Research Program, National Institutes of Health
Classification: Uncertain significance for Malignant hyperthermia, susceptibility to, 1. Last evaluated: 2023-10-23. Review status: criteria provided, single submitter. Criteria: ACMG Guidelines, 2015. Collection method: clinical testing. Allele origin: germline. Inheritance: Autosomal dominant inheritance. Observed: 1 variant allele, 1 heterozygote.
Comment: This missense variant replaces tyrosine with histidine at codon 496 of the RYR1 protein. Computational prediction suggests that this variant may have deleterious impact on protein structure and function (internally defined REVEL score threshold >= 0.7, PMID: 27666373). To our knowledge, functional studies have not been reported for this variant. This variant has not been reported in individuals affected with RYR1-related disorders in the literature. This variant has not been identified in the general population by the Genome Aggregation Database (gnomAD). The available evidence is insufficient to determine the role of this variant in disease conclusively. Therefore, this variant is classified as a Variant of Uncertain Significance.

This study involves interpretation of variants in research participants for the purpose of population health screening. Participant phenotype was not available at the time of variant classification. Additional details can be found in publication PMID: 35346344, PMCID: PMC8962531

NM_000540.3(RYR1):c.1486T>C (p.Tyr496His)

Genes: RYR1 (ryanodine receptor 1; plus strand), LOC129391106 (MPRA-validated peak3472 silencer; plus strand). Cytogenetic location: 19q13.2.
Variant type: single nucleotide variant.
Coding change: c.1486T>C on transcript NM_000540.3 (MANE Select); coding-DNA position 1486, T replaced by C.
Protein change: p.Tyr496His; replaces tyrosine 496 with histidine.
Molecular consequence: missense variant.
Genome position (GRCh38, 1-based): chr19:38,455,280, T>C. VCF-style: chr19-38455280-T-C. GRCh37 (hg19) VCF-style: chr19-38945920-T-C.
Other names: c.1486T>C, p.Tyr496His (NM_001042723.2); short protein forms Y496H.
Identifiers: ClinVar variation 3074104 (VCV003074104.1), dbSNP rs1319701201, ClinGen allele CA405688737.
Genomic context (GRCh38, chr19:38,455,280, plus strand): 5'-TTTTCCTCATCCTAGGGGATGCTCTCCATGGTCCTGAATTGCATAGACCGCCTAAATGTC[T>C]ACACCACTGCTGCCCACTTTGCTGAGTTTGCAGGGGAGGAGGCAGCCGAGTCCTGGAAAG-3'
Protein context (NP_000531.2, residues 486-506): VLNCIDRLNV[Tyr496His]TTAAHFAEFA